The following is an entry in ClinVar:

NM_004370.6(COL12A1):c.1296A>G (p.Ser432=)

Gene: COL12A1 (collagen type XII alpha 1 chain; minus strand). Cytogenetic location: 6q13.
Variant type: single nucleotide variant.
Coding change: c.1296A>G on transcript NM_004370.6 (MANE Select); coding-DNA position 1296, A replaced by G.
Protein change: p.Ser432=; no amino-acid change (serine 432 retained).
Molecular consequence: synonymous variant. On other transcripts: intron variant (1).
Genome position (GRCh38, 1-based): chr6:75,183,645, T>C on the plus strand (A>G on the coding strand, the complement: COL12A1 is on the minus strand). VCF-style: chr6-75183645-T-C. GRCh37 (hg19) VCF-style: chr6-75893361-T-C.
Other names: p.Ser432=; c.73+19075A>G (NM_080645.3).
Identifiers: ClinVar variation 2051816 (VCV002051816.6), dbSNP rs548958930, ClinGen allele CA3894223.

ClinVar aggregate classification (germline): Benign/Likely benign. Review status: criteria provided, multiple submitters, no conflicts (2 of 4 stars). 3 submissions from 3 submitters: Benign (1); Likely benign (2). Last evaluated 2026-05-28.

Conditions:
Ullrich congenital muscular dystrophy 2 (UCMD2). Identifiers: Orphanet 75840, MedGen C4225314, MONDO:0014654, OMIM 616470.
Bethlem myopathy 2 (BTHLM2). Identifiers: Orphanet 536516, Orphanet 610, MedGen C4225313, MONDO:0034022, OMIM 616471.

Allele frequency attached by ClinVar (database versions not stated): gnomAD 0.00005; TOPMed 0.00001; gnomAD exomes 0.00007; 1000 Genomes Project 30x 0.00016; ExAC 0.00009; 1000 Genomes Project 0.00020.
gnomAD v4.1: 111 of 1,601,350 alleles (0.0069%); highest among the groups gnomAD compares: South Asian, 0.033%; 1 homozygote.

Submissions (3):

Women's Health and Genetics/Laboratory Corporation of America, LabCorp
Classification: Likely benign. Last evaluated: 2026-05-28. Review status: criteria provided, single submitter. Criteria: LabCorp Variant Classification Summary - May 2015. Collection method: clinical testing. Allele origin: germline.

Mayo Clinic Laboratories, Mayo Clinic
Classification: Likely benign. Last evaluated: 2025-05-26. Review status: criteria provided, single submitter. Criteria: ACMG Guidelines, 2015. Collection method: clinical testing. Allele origin: germline. Observed: 1 variant allele.
Comment: BS1, BP4, BP7

Labcorp Genetics (formerly Invitae), Labcorp
Classification: Benign for Bethlem myopathy 2; Ullrich congenital muscular dystrophy 2. Last evaluated: 2023-12-19. Review status: criteria provided, single submitter. Criteria: Invitae Variant Classification Sherloc (09022015). Collection method: clinical testing. Allele origin: germline.